The following is an entry in ClinVar:

NM_004168.4(SDHA):c.1182C>T (p.Asp394=)

Gene: SDHA (succinate dehydrogenase complex flavoprotein subunit A; plus strand). Cytogenetic location: 5p15.33.
Variant type: single nucleotide variant.
Coding change: c.1182C>T on transcript NM_004168.4 (MANE Select); coding-DNA position 1182, C replaced by T.
Protein change: p.Asp394=; no amino-acid change (aspartic acid 394 retained).
Molecular consequence: synonymous variant.
Genome position (GRCh38, 1-based): chr5:235,261, C>T. VCF-style: chr5-235261-C-T. GRCh37 (hg19) VCF-style: chr5-235376-C-T.
Other names: c.1038C>T, p.Asp346= (NM_001294332.2); c.1182C>T, p.Asp394= (NM_001330758.2).
Identifiers: ClinVar variation 239637 (VCV000239637.16), dbSNP rs377317558, ClinGen allele CA3173131.

ClinVar aggregate classification (germline): Benign/Likely benign. Review status: criteria provided, multiple submitters, no conflicts (2 of 4 stars). 4 submissions from 4 submitters: Benign (1); Likely benign (3). Last evaluated 2025-11-03.

Conditions:
Mitochondrial complex II deficiency, nuclear type 1. Also called: SUCCINATE CoQ REDUCTASE DEFICIENCY. Identifiers: Orphanet 3208, MedGen C5700310, MONDO:0100294, OMIM 252011.
Pheochromocytoma/paraganglioma syndrome 5. Also called: Paragangliomas 5; SDHA-Related Hereditary Paraganglioma-Pheochromocytoma Syndrome. Identifiers: Orphanet 29072, MedGen C3279992, MONDO:0013602, OMIM 614165.
Hereditary cancer-predisposing syndrome. Also called: Hereditary Cancer Syndrome; Hereditary neoplastic syndrome; Neoplastic Syndromes, Hereditary; Tumor predisposition. Identifiers: Orphanet 140162, MedGen C0027672, MeSH D009386, MONDO:0015356.

Allele frequency attached by ClinVar (database versions not stated): TOPMed below 0.00001; gnomAD 0.00001 and 0.00002; gnomAD exomes 0.00001 and 0.00002; ExAC 0.00002; ESP Exome Variant Server 0.00008; 1000 Genomes Project 0.00020; 1000 Genomes Project 30x 0.00031.
gnomAD v4.1: 13 of 1,614,032 alleles (0.00081%); highest among the groups gnomAD compares: East Asian, 0.0089%; no homozygotes.

Submissions (4):

Labcorp Genetics (formerly Invitae), Labcorp
Classification: Likely benign for Pheochromocytoma/paraganglioma syndrome 5; Mitochondrial complex II deficiency, nuclear type 1. Last evaluated: 2025-11-03. Review status: criteria provided, single submitter. Criteria: Invitae Variant Classification Sherloc (09022015). Collection method: clinical testing. Allele origin: germline.

Myriad Genetics, Inc.
Classification: Benign for Pheochromocytoma/paraganglioma syndrome 5. Last evaluated: 2025-03-07. Review status: criteria provided, single submitter. Criteria: Myriad Autosomal Dominant, Autosomal Recessive and X-Linked Classification Criteria (2023). Collection method: clinical testing. Allele origin: unknown.
Comment: This variant is considered benign. This variant is a silent/synonymous amino acid change and it is not expected to impact splicing.

KCCC/NGS Laboratory, Kuwait Cancer Control Center
Classification: Likely benign for Pheochromocytoma/paraganglioma syndrome 5. Last evaluated: 2023-07-07. Review status: criteria provided, single submitter. Criteria: ACMG Guidelines, 2015. Collection method: clinical testing. Allele origin: germline. Affected: yes.

Ambry Genetics
Classification: Likely benign for Hereditary cancer-predisposing syndrome. Last evaluated: 2020-04-01. Review status: criteria provided, single submitter. Criteria: Ambry Variant Classification Scheme 2023. Collection method: clinical testing. Allele origin: germline.